The following is an entry in ClinVar:

ClinVar aggregate classification (germline): Uncertain significance. Review status: criteria provided, multiple submitters, no conflicts (2 of 4 stars). 3 submissions from 3 submitters: Uncertain significance (3). Last evaluated 2026-06-09.

Conditions:
Hereditary cancer-predisposing syndrome. Also called: Tumor predisposition; Hereditary Cancer Syndrome; Neoplastic Syndromes, Hereditary; Hereditary neoplastic syndrome. Identifiers: Orphanet 140162, MedGen C0027672, MeSH D009386, MONDO:0015356.
Multiple endocrine neoplasia, type 1 (MEN1). Also called: MEA I; MEN I; WERMER SYNDROME; Endocrine adenomatosis multiple; MEN 1. Identifiers: Orphanet 652, MedGen C0025267, MeSH D018761, MONDO:0007540, OMIM 131100.

Allele frequency attached by ClinVar (database versions not stated): gnomAD exomes below 0.00001.
gnomAD v4.1: 1 of 1,613,986 alleles (0.000062%); highest among the groups gnomAD compares: Non-Finnish European, 0.000085%; no homozygotes.

Submissions (3):

Ambry Genetics
Classification: Uncertain significance for Hereditary cancer-predisposing syndrome. Last evaluated: 2026-06-09. Review status: criteria provided, single submitter. Criteria: Ambry Variant Classification Scheme 2023. Collection method: clinical testing. Allele origin: germline.
Comment: The p.R275G variant (also known as c.823A>G), located in coding exon 4 of the MEN1 gene, results from an A to G substitution at nucleotide position 823. The arginine at codon 275 is replaced by glycine, an amino acid with dissimilar properties. This variant was detected as heterozygous in individual(s) with no reported features of multiple endocrine neoplasia type 1 (Ambry internal data). This amino acid position is well conserved in available vertebrate species. In addition, this alteration is predicted to be deleterious by in silico analysis. Based on the available evidence, the clinical significance of this variant remains unclear.

Labcorp Genetics (formerly Invitae), Labcorp
Classification: Uncertain significance for Multiple endocrine neoplasia, type 1. Last evaluated: 2026-01-19. Review status: criteria provided, single submitter. Criteria: Invitae Variant Classification Sherloc (09022015). Collection method: clinical testing. Allele origin: germline.
Comment: This sequence change replaces arginine, which is basic and polar, with glycine, which is neutral and non-polar, at codon 275 of the MEN1 protein (p.Arg275Gly). This variant is not present in population databases (gnomAD no frequency). This variant has not been reported in the literature in individuals affected with MEN1-related conditions. ClinVar contains an entry for this variant (Variation ID: 640548). An algorithm developed to predict the effect of missense changes on protein structure and function (PolyPhen-2) suggests that this variant is likely to be disruptive. Studies have shown that this missense change is associated with inconclusive levels of altered splicing (internal data). In summary, the available evidence is currently insufficient to determine the role of this variant in disease. Therefore, it has been classified as a Variant of Uncertain Significance.

All of Us Research Program, National Institutes of Health
Classification: Uncertain significance for Multiple endocrine neoplasia, type 1. Last evaluated: 2023-07-10. Review status: criteria provided, single submitter. Criteria: ACMG Guidelines, 2015. Collection method: clinical testing. Allele origin: germline. Inheritance: Autosomal dominant inheritance. Observed: 2 variant alleles, 2 heterozygotes.
Comment: This missense variant replaces arginine with glycine at codon 275 of the MEN1 protein. Computational prediction suggests that this variant may have deleterious impact on protein structure and function (internally defined REVEL score threshold >= 0.7, PMID: 27666373). To our knowledge, functional studies have not been reported for this variant. This variant has not been reported in individuals affected with hereditary cancer in the literature. This variant has not been identified in the general population by the Genome Aggregation Database (gnomAD). The available evidence is insufficient to determine the role of this variant in disease conclusively. Therefore, this variant is classified as a Variant of Uncertain Significance.

This study involves interpretation of variants in research participants for the purpose of population health screening. Participant phenotype was not available at the time of variant classification. Additional details can be found in publication PMID: 35346344, PMCID: PMC8962531

NM_001370259.2(MEN1):c.823A>G (p.Arg275Gly)

Gene: MEN1 (menin 1; minus strand). Cytogenetic location: 11q13.1.
Variant type: single nucleotide variant.
Coding change: c.823A>G on transcript NM_001370259.2 (MANE Select); coding-DNA position 823, A replaced by G.
Protein change: p.Arg275Gly; replaces arginine 275 with glycine.
Molecular consequence: missense variant.
Genome position (GRCh38, 1-based): chr11:64,807,180, T>C on the plus strand (A>G on the coding strand, the complement: MEN1 is on the minus strand). VCF-style: chr11-64807180-T-C. GRCh37 (hg19) VCF-style: chr11-64574652-T-C.
Other names: c.838A>G, p.Arg280Gly (NM_000244.4, NM_130800.3, NM_130801.3 and 3 more transcripts); c.823A>G, p.Arg275Gly (NM_001370251.2, NM_001370260.2, NM_001370261.2 and 1 more transcripts); c.718A>G, p.Arg240Gly (NM_001370262.2, NM_001370263.2); short protein forms R240G, R280G, R275G.
Identifiers: ClinVar variation 640548 (VCV000640548.14), dbSNP rs1592647235, ClinGen allele CA381183865.